The following is an entry in ClinVar:

NM_004656.4(BAP1):c.539T>C (p.Leu180Pro)

Gene: BAP1 (BRCA1 associated deubiquitinase 1; minus strand). Cytogenetic location: 3p21.1.
Variant type: single nucleotide variant.
Coding change: c.539T>C on transcript NM_004656.4 (MANE Select); coding-DNA position 539, T replaced by C.
Protein change: p.Leu180Pro; replaces leucine 180 with proline.
Molecular consequence: missense variant.
Genome position (GRCh38, 1-based): chr3:52,407,215, A>G on the plus strand (T>C on the coding strand, the complement: BAP1 is on the minus strand). VCF-style: chr3-52407215-A-G. GRCh37 (hg19) VCF-style: chr3-52441231-A-G.
Other names: c.539T>C, p.Leu180Pro (NM_001410772.1); short protein forms L180P.
Identifiers: ClinVar variation 3477629 (VCV003477629.2).

ClinVar aggregate classification (germline): Likely pathogenic (1 of 4 stars; one submission).

Conditions:
Hereditary cancer-predisposing syndrome. Also called: Tumor predisposition; Neoplastic Syndromes, Hereditary; Hereditary neoplastic syndrome; Hereditary Cancer Syndrome. Identifiers: Orphanet 140162, MedGen C0027672, MeSH D009386, MONDO:0015356.

Submission:

Ambry Genetics
Classification: Likely pathogenic for Hereditary cancer-predisposing syndrome. Last evaluated: 2025-10-15. Review status: criteria provided, single submitter. Criteria: Ambry Variant Classification Scheme 2023. Collection method: clinical testing. Allele origin: germline.
Comment: The p.L180P variant (also known as c.539T>C), located in coding exon 7 of the BAP1 gene, results from a T to C substitution at nucleotide position 539. The leucine at codon 180 is replaced by proline, an amino acid with similar properties. This variant was reported in at least one family with uveal and cutaneous melanoma, mesothelioma, and basal cell carcinoma, all of which are consistent with BAP1-related tumor predisposition syndrome (Rai K et al. Clin Genet, 2016 Mar;89:285-94; Ambry internal data). This alteration was non-functional in a high throughput genome editing haploid cell survival assay (Waters AJ et al. Nat Genet, 2024 Jul;56:1434-1445). This amino acid position is highly conserved in available vertebrate species. In addition, this alteration is predicted to be deleterious by in silico analysis. This variant is considered to be rare based on population cohorts in the Genome Aggregation Database (gnomAD). Based on the majority of available evidence to date, this variant is likely to be pathogenic.

Literature cited by the submitters: PubMed 26096145; PubMed 30517737; PubMed 38969833.